The following is an entry in ClinVar:

ClinVar aggregate classification (germline): Uncertain significance (0 of 4 stars; one submission).

Conditions:
POGZ-related disorder. Also called: POGZ-related condition.

Submission:

PreventionGenetics, part of Exact Sciences
Classification: Uncertain significance for POGZ-related condition. Last evaluated: 2024-07-03. Review status: no assertion criteria provided. Collection method: clinical testing. Allele origin: germline.
Comment: The POGZ c.2619G>A variant is predicted to result in the amino acid substitution p.Met873Ile. To our knowledge, this variant has not been reported in the literature or in a large population database, indicating this variant is rare. At this time, the clinical significance of this variant is uncertain due to the absence of conclusive functional and genetic evidence.

NM_015100.4(POGZ):c.2619G>A (p.Met873Ile)

Gene: POGZ (pogo transposable element derived with ZNF domain; minus strand). Cytogenetic location: 1q21.3.
Variant type: single nucleotide variant.
Coding change: c.2619G>A on transcript NM_015100.4 (MANE Select); coding-DNA position 2619, G replaced by A.
Protein change: p.Met873Ile; replaces methionine 873 with isoleucine.
Molecular consequence: missense variant.
Genome position (GRCh38, 1-based): chr1:151,406,416, C>T on the plus strand (G>A on the coding strand, the complement: POGZ is on the minus strand). VCF-style: chr1-151406416-C-T. GRCh37 (hg19) VCF-style: chr1-151378892-C-T.
Other names: c.2592G>A, p.Met864Ile (NM_001194937.2); c.2433G>A, p.Met811Ile (NM_001194938.2); c.2640G>A, p.Met880Ile (NM_001410860.1); c.2334G>A, p.Met778Ile (NM_145796.4); c.2460G>A, p.Met820Ile (NM_207171.2); short protein forms M778I, M811I, M820I, M864I, M873I, M880I.
Identifiers: ClinVar variation 3346387 (VCV003346387.1).